The following is an entry in ClinVar:

ClinVar aggregate classification (germline): Likely pathogenic. Review status: criteria provided, multiple submitters, no conflicts (2 of 4 stars). 2 submissions from 2 submitters: Likely pathogenic (2). Last evaluated 2025-10-01.

Submissions (2):

CeGaT Center for Human Genetics Tuebingen
Classification: Likely pathogenic. Last evaluated: 2025-10-01. Review status: criteria provided, single submitter. Criteria: CeGaT Center For Human Genetics Tuebingen Variant Classification Criteria Version 2. Collection method: clinical testing. Allele origin: germline. Affected: yes. Observed: 1 variant allele.
Comment: FAS: PM1, PM2, PS4:Moderate, PS2:Supporting

GeneDx
Classification: Likely pathogenic. Last evaluated: 2024-12-04. Review status: criteria provided, single submitter. Criteria: GeneDx Variant Classification Process June 2021. Collection method: clinical testing. Allele origin: germline.
Comment: Not observed at significant frequency in large population cohorts (gnomAD); In silico analysis supports that this missense variant has a deleterious effect on protein structure/function; This variant is associated with the following publications: (PMID: 34136918, 32599613, 39060684, 27789675)

NM_000043.6(FAS):c.794A>G (p.Asp265Gly)

Gene: FAS (Fas cell surface death receptor; plus strand). Cytogenetic location: 10q23.31.
Variant type: single nucleotide variant.
Coding change: c.794A>G on transcript NM_000043.6 (MANE Select); coding-DNA position 794, A replaced by G.
Protein change: p.Asp265Gly; replaces aspartic acid 265 with glycine.
Molecular consequence: missense variant. On other transcripts: 3 prime UTR variant (2), non-coding transcript variant (7).
Genome position (GRCh38, 1-based): chr10:89,014,236, A>G. VCF-style: chr10-89014236-A-G. GRCh37 (hg19) VCF-style: chr10-90773993-A-G.
Other names: c.*117A>G (NM_001320619.2); c.839A>G, p.Asp280Gly (NM_001410956.1); c.731A>G, p.Asp244Gly (NM_152871.4); c.*106A>G (NM_152872.4); short protein forms D244G, D265G, D280G.
Identifiers: ClinVar variation 2573797 (VCV002573797.8), dbSNP rs2495225676, ClinGen allele CA377509827.